The following is an entry in ClinVar:

NM_001365088.1(SLC12A6):c.271+41G>C

Gene: SLC12A6 (solute carrier family 12 member 6; minus strand). Cytogenetic location: 15q14.
Variant type: single nucleotide variant.
Coding change: c.271+41G>C on transcript NM_001365088.1 (MANE Select); 41 bases into the intron after coding-DNA position 271, G replaced by C.
Molecular consequence: intron variant.
Genome position (GRCh38, 1-based): chr15:34,336,369, C>G on the plus strand (G>C on the coding strand, the complement: SLC12A6 is on the minus strand). VCF-style: chr15-34336369-C-G. GRCh37 (hg19) VCF-style: chr15-34628570-C-G.
Other names: c.94+41G>C (NM_001042495.2, NM_001042494.2); c.244+41G>C (NM_001042496.2); c.271+41G>C (NM_001042497.2, NM_133647.2).
Identifiers: ClinVar variation 159892 (VCV000159892.12), dbSNP rs347836, ClinGen allele CA173437.

ClinVar aggregate classification (germline): Benign. Review status: criteria provided, multiple submitters, no conflicts (2 of 4 stars). 4 submissions from 4 submitters: Benign (3). 1 of the submissions does not count toward it. Last evaluated 2021-07-10.

Conditions:
Agenesis of the corpus callosum with peripheral neuropathy (ACCPN). Also called: Hereditary Motor and Sensory Neuropathy with Agenesis of the Corpus Callosum; POLYNEUROPATHY, SENSORIMOTOR, WITH OR WITHOUT AGENESIS OF THE CORPUS CALLOSUM; HMSN/ACC; CHARLEVOIX DISEASE. Identifiers: Orphanet 1496, MedGen C0795950, MONDO:0000902, OMIM 218000. Disease mechanism: loss of function.

Allele frequency attached by ClinVar (database versions not stated): gnomAD 0.46169; TOPMed 0.46972; ESP Exome Variant Server 0.47239; 1000 Genomes Project 0.48762; 1000 Genomes Project 30x 0.49204.
gnomAD v4.1: 557,110 of 1,505,846 alleles (37%); highest among the groups gnomAD compares: African/African-American, 74%; 109,992 homozygotes.

Submissions (4):

Genome-Nilou Lab
Classification: Benign for Agenesis of the corpus callosum with peripheral neuropathy. Last evaluated: 2021-07-10. Review status: criteria provided, single submitter. Criteria: ACMG Guidelines, 2015. Collection method: clinical testing. Allele origin: germline. Affected: no.

GeneDx
Classification: Benign. Last evaluated: 2018-06-23. Review status: criteria provided, single submitter. Criteria: GeneDx Variant Classification Process June 2021. Collection method: clinical testing. Allele origin: germline. Affected: yes.

Breakthrough Genomics
Classification: Benign. Review status: criteria provided, single submitter. Criteria: ACMG Guidelines, 2015. Collection method: not provided. Allele origin: germline. Inheritance: Autosomal recessive inheritance. Affected: yes.

Genetic Services Laboratory, University of Chicago
Classification: Likely benign. Review status: no assertion criteria provided. Collection method: clinical testing. Allele origin: germline. Inheritance: Autosomal recessive inheritance. Not counted in ClinVar's aggregate classification.
Comment: Likely benign based on allele frequency in 1000 Genomes Project or ESP global frequency and its presence in a patient with a rare or unrelated disease phenotype. NOT Sanger confirmed